The following is an entry in ClinVar:

NM_022489.4(INF2):c.391+17G>A

Gene: INF2 (inverted formin 2; plus strand). Cytogenetic location: 14q32.33.
Variant type: single nucleotide variant.
Coding change: c.391+17G>A on transcript NM_022489.4 (MANE Select); 17 bases into the intron after coding-DNA position 391, G replaced by A.
Molecular consequence: intron variant.
Genome position (GRCh38, 1-based): chr14:104,701,773, G>A. VCF-style: chr14-104701773-G-A. GRCh37 (hg19) VCF-style: chr14-105168110-G-A.
Other names: c.391+17G>A (NM_001031714.4, NM_032714.3).
Identifiers: ClinVar variation 261622 (VCV000261622.18), dbSNP rs4074531, ClinGen allele CA7372279.

ClinVar aggregate classification (germline): Benign. Review status: criteria provided, multiple submitters, no conflicts (2 of 4 stars). 6 submissions from 6 submitters: Benign (6). Last evaluated 2026-02-03.

Conditions:
Charcot-Marie-Tooth disease dominant intermediate E. Also called: CHARCOT-MARIE-TOOTH NEUROPATHY WITH FOCAL SEGMENTAL GLOMERULONEPHRITIS. Identifiers: Orphanet 93114, MedGen C4302667, MONDO:0013758, OMIM 614455.
Focal segmental glomerulosclerosis 5 (FSGS5). Identifiers: Orphanet 656, MedGen C2750475, MONDO:0013191, OMIM 613237.

Allele frequency attached by ClinVar (database versions not stated): TOPMed 0.01541; gnomAD exomes 0.03596; 1000 Genomes Project 30x 0.04653; ExAC 0.04697; 1000 Genomes Project 0.05012; ESP Exome Variant Server 0.00158; gnomAD 0.01087.
gnomAD v4.1: 17,798 of 1,478,464 alleles (1.2%); highest among the groups gnomAD compares: East Asian, 13%; 705 homozygotes.

Submissions (6):

Labcorp Genetics (formerly Invitae), Labcorp
Classification: Benign for Charcot-Marie-Tooth disease dominant intermediate E; Focal segmental glomerulosclerosis 5. Last evaluated: 2026-02-03. Review status: criteria provided, single submitter. Criteria: Invitae Variant Classification Sherloc (09022015). Collection method: clinical testing. Allele origin: germline.

Blueprint Genetics
Classification: Benign. Last evaluated: 2024-11-27. Review status: criteria provided, single submitter. Criteria: ACMG Guidelines, 2015. Collection method: clinical testing. Allele origin: germline.

Eurofins Ntd Llc (ga)
Classification: Benign. Last evaluated: 2016-09-06. Review status: criteria provided, single submitter. Criteria: EGL Classification Definitions 2015. Collection method: clinical testing. Allele origin: germline. Observed: 1 variant allele, 1 heterozygote.

GeneDx
Classification: Benign. Last evaluated: 2016-02-19. Review status: criteria provided, single submitter. Criteria: GeneDx Variant Classification (06012015). Collection method: clinical testing. Allele origin: germline. Affected: yes.
Comment: This variant is considered likely benign or benign based on one or more of the following criteria: it is a conservative change, it occurs at a poorly conserved position in the protein, it is predicted to be benign by multiple in silico algorithms, and/or has population frequency not consistent with disease.

Breakthrough Genomics
Classification: Benign. Review status: criteria provided, single submitter. Criteria: ACMG Guidelines, 2015. Collection method: not provided. Allele origin: germline. Inheritance: Autosomal dominant inheritance. Affected: yes.

PreventionGenetics, part of Exact Sciences
Classification: Benign. Review status: criteria provided, single submitter. Criteria: ACMG Guidelines, 2015. Collection method: clinical testing. Allele origin: germline.